The following is an entry in ClinVar:

NM_000702.4(ATP1A2):c.953C>A (p.Ala318Glu)

Gene: ATP1A2 (ATPase Na+/K+ transporting subunit alpha 2; plus strand). Cytogenetic location: 1q23.2.
Variant type: single nucleotide variant.
Coding change: c.953C>A on transcript NM_000702.4 (MANE Select); coding-DNA position 953, C replaced by A.
Protein change: p.Ala318Glu; replaces alanine 318 with glutamic acid.
Molecular consequence: missense variant.
Genome position (GRCh38, 1-based): chr1:160,127,756, C>A. VCF-style: chr1-160127756-C-A. GRCh37 (hg19) VCF-style: chr1-160097546-C-A.
Other names: short protein forms A318E.
Identifiers: ClinVar variation 1372546 (VCV001372546.11), dbSNP rs2101988461, ClinGen allele CA343238498.

ClinVar aggregate classification (germline): Conflicting classifications of pathogenicity. Review status: criteria provided, conflicting classifications (1 of 4 stars). 2 submissions from 2 submitters: Pathogenic (1); Uncertain significance (1). Last evaluated 2025-05-05.

Conditions:
Familial hemiplegic migraine. Identifiers: MedGen C0338484, MONDO:0000700.

Submissions (2):

Labcorp Genetics (formerly Invitae), Labcorp
Classification: Pathogenic for Familial hemiplegic migraine. Last evaluated: 2025-05-05. Review status: criteria provided, single submitter. Criteria: Invitae Variant Classification Sherloc (09022015). Collection method: clinical testing. Allele origin: germline.
Comment: This sequence change replaces alanine, which is neutral and non-polar, with glutamic acid, which is acidic and polar, at codon 318 of the ATP1A2 protein (p.Ala318Glu). This variant is not present in population databases (gnomAD no frequency). This missense change has been observed in individual(s) with seizures (internal data). In at least one individual the variant was observed to be de novo. ClinVar contains an entry for this variant (Variation ID: 1372546). Invitae Evidence Modeling of protein sequence and biophysical properties (such as structural, functional, and spatial information, amino acid conservation, physicochemical variation, residue mobility, and thermodynamic stability) indicates that this missense variant is expected to disrupt ATP1A2 protein function with a positive predictive value of 80%. For these reasons, this variant has been classified as Pathogenic.

Centre of Medical Genetics, University Hospital Muenster
Classification: Uncertain significance. Last evaluated: 2021-12-01. Review status: criteria provided, single submitter. Criteria: ACMG Guidelines, 2015. Collection method: clinical testing. Allele origin: unknown. Affected: yes. Observed: 1 variant allele, 1 heterozygote.
Comment: ACMG categories: PM2,PP3